The following is an entry in ClinVar:

ClinVar aggregate classification (germline): Uncertain significance (1 of 4 stars; one submission).

Conditions:
Epilepsy, X-linked 1, with variable learning disabilities and behavior disorders. Also called: X-linked epilepsy-learning disabilities-behavior disorders syndrome. Identifiers: Orphanet 85294, MedGen C5774177, MONDO:0010339, OMIM 300491.

Submission:

Labcorp Genetics (formerly Invitae), Labcorp
Classification: Uncertain significance for Epilepsy, X-linked 1, with variable learning disabilities and behavior disorders. Last evaluated: 2023-10-28. Review status: criteria provided, single submitter. Criteria: Invitae Variant Classification Sherloc (09022015). Collection method: clinical testing. Allele origin: germline.
Comment: This sequence change replaces arginine, which is basic and polar, with tryptophan, which is neutral and slightly polar, at codon 622 of the SYN1 protein (p.Arg622Trp). This variant is not present in population databases (gnomAD no frequency). This variant has not been reported in the literature in individuals affected with SYN1-related conditions. Experimental studies and prediction algorithms are not available or were not evaluated, and the functional significance of this variant is currently unknown. In summary, the available evidence is currently insufficient to determine the role of this variant in disease. Therefore, it has been classified as a Variant of Uncertain Significance.

NM_006950.3(SYN1):c.1864C>T (p.Arg622Trp)

Gene: SYN1 (synapsin I; minus strand). Cytogenetic location: Xp11.3.
Variant type: single nucleotide variant.
Coding change: c.1864C>T on transcript NM_006950.3 (MANE Select); coding-DNA position 1864, C replaced by T.
Protein change: p.Arg622Trp; replaces arginine 622 with tryptophan.
Molecular consequence: missense variant.
Genome position (GRCh38, 1-based): chrX:47,574,120, G>A on the plus strand (C>T on the coding strand, the complement: SYN1 is on the minus strand). VCF-style: chrX-47574120-G-A. GRCh37 (hg19) VCF-style: chrX-47433519-G-A.
Other names: c.1864C>T, p.Arg622Trp (NM_133499.2); short protein forms R622W.
Identifiers: ClinVar variation 2772180 (VCV002772180.3), dbSNP rs2519684594, ClinGen allele CA412822323.